The following is an entry in ClinVar:

NM_058216.3(RAD51C):c.17_19del (p.Phe6_Arg7delinsCys)

Gene: RAD51C (RAD51 paralog C; plus strand). Cytogenetic location: 17q22.
Variant type: Deletion.
Coding change: c.17_19del on transcript NM_058216.3 (MANE Select); coding-DNA positions 17 to 19, 3 bases deleted (TCC; older notation c.17_19delTCC).
Protein change: p.Phe6_Arg7delinsCys.
Molecular consequence: inframe indel. On other transcripts: non-coding transcript variant (2).
Genome position (GRCh38, 1-based): chr17:58,692,660-58,692,662, TCC deleted. VCF-style (leftmost placement, unchanged base first): chr17-58692659-TTCC-T. GRCh37 (hg19) VCF-style: chr17-56770020-TTCC-T.
Other names: c.17_19del, p.Phe6_Arg7delinsCys (NM_002876.4); c.17_19delTCC, p.Phe6_Arg7delinsCys (NM_058217.1).
Identifiers: ClinVar variation 3228948 (VCV003228948.2), dbSNP rs2509260454, ClinGen allele CA2825002544.

ClinVar aggregate classification (germline): Uncertain significance (1 of 4 stars; one submission).

Conditions:
Hereditary cancer-predisposing syndrome. Also called: Neoplastic Syndromes, Hereditary; Tumor predisposition; Hereditary neoplastic syndrome; Hereditary Cancer Syndrome. Identifiers: Orphanet 140162, MedGen C0027672, MeSH D009386, MONDO:0015356.

Submission:

Ambry Genetics
Classification: Uncertain significance for Hereditary cancer-predisposing syndrome. Last evaluated: 2025-04-07. Review status: criteria provided, single submitter. Criteria: Ambry Variant Classification Scheme 2023. Collection method: clinical testing. Allele origin: germline.
Comment: The c.17_19delTCC variant (also known as p.F6_R7delinsC) is located in coding exon 1 of the RAD51C gene. This variant results from an in-frame TCC deletion at nucleotide positions 17 to 19. The phenylalanine and arginine at codons 6-7 are replaced by cysteine. This amino acid region is poorly conserved in available vertebrate species. In addition, this alteration is predicted to be neutral by in silico analysis (Choi Y et al. PLoS ONE. 2012; 7(10):e46688). Since supporting evidence is limited at this time, the clinical significance of this alteration remains unclear.